The following is an entry in ClinVar:

NM_022051.3(EGLN1):c.733A>T (p.Ser245Cys)

Gene: EGLN1 (egl-9 family hypoxia inducible factor 1; minus strand). Cytogenetic location: 1q42.2.
Variant type: single nucleotide variant.
Coding change: c.733A>T on transcript NM_022051.3 (MANE Select); coding-DNA position 733, A replaced by T.
Protein change: p.Ser245Cys; replaces serine 245 with cysteine.
Molecular consequence: missense variant.
Genome position (GRCh38, 1-based): chr1:231,421,156, T>A on the plus strand (A>T on the coding strand, the complement: EGLN1 is on the minus strand). VCF-style: chr1-231421156-T-A. GRCh37 (hg19) VCF-style: chr1-231556902-T-A.
Other names: c.733A>T, p.Ser245Cys (NM_001377260.1, NM_001377261.1); short protein forms S245C.
Identifiers: ClinVar variation 4842505 (VCV004842505.1).

ClinVar aggregate classification (germline): Uncertain significance (1 of 4 stars; one submission).

Submission:

Ambry Genetics
Classification: Uncertain significance. Last evaluated: 2025-12-20. Review status: criteria provided, single submitter. Criteria: Ambry Variant Classification Scheme 2023. Collection method: clinical testing. Allele origin: germline.
Comment: The p.S245C variant (also known as c.733A>T), located in coding exon 1 of the EGLN1 gene, results from an A to T substitution at nucleotide position 733. The serine at codon 245 is replaced by cysteine, an amino acid with dissimilar properties. This amino acid position is conserved. In addition, this alteration is predicted to be tolerated by in silico analysis. Based on the available evidence, the clinical significance of this variant remains unclear.